The following is an entry in ClinVar:

ClinVar aggregate classification (germline): Likely pathogenic (1 of 4 stars; one submission).

Conditions:
Mucopolysaccharidosis, MPS-III-B (MPS3B). Also called: MPS IIIB (Sanfilippo Syndrome Type B); N-ACETYL-ALPHA-D-GLUCOSAMINIDASE DEFICIENCY; NAGLU DEFICIENCY; SANFILIPPO SYNDROME B; MPS III B; Mucopolysaccharidosis type IIIB (Sanfilippo B). Identifiers: Orphanet 79270, MedGen C0086648, MONDO:0009656, OMIM 252920.

Submission:

Natera, Inc.
Classification: Likely pathogenic for Mucopolysaccharidosis type IIIB. Last evaluated: 2024-03-13. Review status: criteria provided, single submitter. Criteria: Natera Variant Classification Schema (03/2026). Collection method: clinical testing. Allele origin: germline.
Comment: The c.605_606delGG variant in NAGLU is a frameshift variant predicted to shift the reading frame beginning at codon 202 and leads to a stop codon 70 codons downstream. This variant is expected to result in nonsense mediated decay, truncation, or a dysfunctional protein product. This variant is rare in the general population with a frequency below the threshold expected for the associated phenotype(s). Given the available evidence, this variant is classified as Likely Pathogenic.

NM_000263.4(NAGLU):c.605_606del (p.Gly202fs)

Gene: NAGLU (N-acetyl-alpha-glucosaminidase; plus strand). Cytogenetic location: 17q21.2.
Variant type: Deletion.
Coding change: c.605_606del on transcript NM_000263.4 (MANE Select); coding-DNA positions 605 to 606, 2 bases deleted (GG; older notation c.605_606delGG).
Protein change: p.Gly202fs; shifts the reading frame from glycine 202.
Molecular consequence: frameshift variant.
Genome position (GRCh38, 1-based): chr17:42,538,412-42,538,413, GG deleted; deleting any 2 consecutive bases within chr17:42,538,409-42,538,413 gives the same sequence; the c. name uses the placement nearest the transcript's 3' end. VCF-style (leftmost placement, unchanged base first): chr17-42538408-TGG-T. GRCh37 (hg19) VCF-style: chr17-40690426-TGG-T.
Other names: short protein forms G202fs.
Identifiers: ClinVar variation 4818041 (VCV004818041.1).
Genomic context (GRCh38, chr17:42,538,408, plus strand): 5'-GCCTTGGGCCTGACCCAGGCAGAGATCAATGAGTTCTTTACTGGTCCTGCCTTCCTGGCC[TGG>T]GGGCGAATGGGCAACCTGCACACCTGGGATGGCCCCCTGCCCCCCTCCTGGCACATCAAG-3'